The following is an entry in ClinVar:

NM_000133.4(F9):c.1108C>T (p.Gln370Ter)

Gene: F9 (coagulation factor IX; plus strand). Cytogenetic location: Xq27.1.
Variant type: single nucleotide variant.
Coding change: c.1108C>T on transcript NM_000133.4 (MANE Select); coding-DNA position 1108, C replaced by T.
Protein change: p.Gln370Ter; replaces glutamine 370 with a stop codon.
Molecular consequence: nonsense.
Genome position (GRCh38, 1-based): chrX:139,561,793, C>T. VCF-style: chrX-139561793-C-T. GRCh37 (hg19) VCF-style: chrX-138643952-C-T.
Other names: c.994C>T, p.Gln332Ter (NM_001313913.2); short protein forms Q332*, Q370*.
Identifiers: ClinVar variation 2138743 (VCV002138743.4), dbSNP rs1928116697, ClinGen allele CA414445930.

ClinVar aggregate classification (germline): Pathogenic (1 of 4 stars; one submission).

Conditions:
Thrombophilia, X-linked, due to factor 9 defect. Identifiers: MedGen C2749016, MONDO:0010432, OMIM 300807.
Hereditary factor IX deficiency disease (HEMB). Also called: Christmas Disease; F9 DEFICIENCY; FACTOR IX DEFICIENCY; PLASMA THROMBOPLASTIN COMPONENT DEFICIENCY; Hemophilia B. Identifiers: Orphanet 98879, MedGen C0008533, MeSH D002836, MONDO:0010604, OMIM 306900.

Allele frequency attached by ClinVar (database versions not stated): TOPMed 0.00001.

Submission:

Labcorp Genetics (formerly Invitae), Labcorp
Classification: Pathogenic for Thrombophilia, X-linked, due to factor 9 defect; Hereditary factor IX deficiency disease. Last evaluated: 2022-07-02. Review status: criteria provided, single submitter. Criteria: Invitae Variant Classification Sherloc (09022015). Collection method: clinical testing. Allele origin: germline.
Comment: For these reasons, this variant has been classified as Pathogenic. This variant disrupts a region of the F9 protein in which other variant(s) (p.Trp453*) have been determined to be pathogenic (PMID: 7937052, 22103590; Invitae). This suggests that this is a clinically significant region of the protein, and that variants that disrupt it are likely to be disease-causing. This premature translational stop signal has been observed in individual(s) with hemophilia B (PMID: 7937052). This variant is not present in population databases (gnomAD no frequency). This sequence change creates a premature translational stop signal (p.Gln370*) in the F9 gene. While this is not anticipated to result in nonsense mediated decay, it is expected to disrupt the last 92 amino acid(s) of the F9 protein.

Literature cited by the submitters: PubMed 7937052; PubMed 22103590.